The following is an entry in ClinVar:

ClinVar aggregate classification (germline): Likely benign. Review status: criteria provided, multiple submitters, no conflicts (2 of 4 stars). 2 submissions from 2 submitters: Likely benign (2). Last evaluated 2026-09-10.

Conditions:
Ornithine aminotransferase deficiency (GACR). Also called: Ornithine ketoacid aminotransferase deficiency; Gyrate atrophy; Gyrate atrophy of choroid and retina; Girate atrophy of the retina; HYPERORNITHINEMIA WITH GYRATE ATROPHY OF CHOROID AND RETINA; OAT DEFICIENCY. Identifiers: Orphanet 414, MedGen C0018425, MONDO:0009796, OMIM 258870.
OAT-related disorder. Also called: OAT-related condition.

Allele frequency attached by ClinVar (database versions not stated): gnomAD 0.00004; TOPMed 0.00006; ExAC 0.00001; gnomAD exomes 0.00001 and 0.00002.
gnomAD v4.1: 31 of 1,610,034 alleles (0.0019%); highest among the groups gnomAD compares: African/African-American, 0.016%; no homozygotes.

Submissions (2):

PreventionGenetics, part of Exact Sciences
Classification: Likely benign for OAT-related condition. Last evaluated: 2026-09-10. Review status: criteria provided, single submitter. Criteria: ACMG Guidelines, 2015. Collection method: clinical testing. Allele origin: germline.
Comment: This variant is classified as likely benign based on ACMG/AMP sequence variant interpretation guidelines (Richards et al. 2015 PMID: 25741868, with internal and published modifications).

Labcorp Genetics (formerly Invitae), Labcorp
Classification: Likely benign for Ornithine aminotransferase deficiency. Last evaluated: 2025-12-19. Review status: criteria provided, single submitter. Criteria: Invitae Variant Classification Sherloc (09022015). Collection method: clinical testing. Allele origin: germline.

NM_000274.4(OAT):c.772-10T>C

Gene: OAT (ornithine aminotransferase; minus strand). Cytogenetic location: 10q26.13.
Variant type: single nucleotide variant.
Coding change: c.772-10T>C on transcript NM_000274.4 (MANE Select); 10 bases into the intron before coding-DNA position 772, T replaced by C.
Molecular consequence: intron variant.
Genome position (GRCh38, 1-based): chr10:124,403,065, A>G on the plus strand (T>C on the coding strand, the complement: OAT is on the minus strand). VCF-style: chr10-124403065-A-G. GRCh37 (hg19) VCF-style: chr10-126091634-A-G.
Other names: c.772-10T>C (NM_000274.3, NM_001322965.2, NM_001322969.2 and 4 more transcripts); c.358-10T>C (NM_001171814.2); c.172-10T>C (NM_001322974.2); c.451-10T>C (NM_001322971.2).
Identifiers: ClinVar variation 1099412 (VCV001099412.10), dbSNP rs759900831, ClinGen allele CA5733420.